The following is an entry in ClinVar:

NM_004836.7(EIF2AK3):c.871G>A (p.Glu291Lys)

Gene: EIF2AK3 (eukaryotic translation initiation factor 2 alpha kinase 3; minus strand). Cytogenetic location: 2p11.2.
Variant type: single nucleotide variant.
Coding change: c.871G>A on transcript NM_004836.7 (MANE Select); coding-DNA position 871, G replaced by A.
Protein change: p.Glu291Lys; replaces glutamic acid 291 with lysine.
Molecular consequence: missense variant.
Genome position (GRCh38, 1-based): chr2:88,590,949, C>T on the plus strand (G>A on the coding strand, the complement: EIF2AK3 is on the minus strand). VCF-style: chr2-88590949-C-T. GRCh37 (hg19) VCF-style: chr2-88890467-C-T.
Other names: c.418G>A, p.Glu140Lys (NM_001313915.2); short protein forms E140K, E291K.
Identifiers: ClinVar variation 1368458 (VCV001368458.8), dbSNP rs2104438739, ClinGen allele CA347596020.

ClinVar aggregate classification (germline): Uncertain significance (1 of 4 stars; one submission).

Allele frequency attached by ClinVar (database versions not stated): gnomAD exomes below 0.00001.
gnomAD v4.1: 3 of 1,614,118 alleles (0.00019%); highest among the groups gnomAD compares: South Asian, 0.0022%; no homozygotes.

Submission:

Labcorp Genetics (formerly Invitae), Labcorp
Classification: Uncertain significance. Last evaluated: 2021-07-18. Review status: criteria provided, single submitter. Criteria: Invitae Variant Classification Sherloc (09022015). Collection method: clinical testing. Allele origin: germline.
Comment: Algorithms developed to predict the effect of missense changes on protein structure and function (SIFT, PolyPhen-2, Align-GVGD) all suggest that this variant is likely to be tolerated. In summary, the available evidence is currently insufficient to determine the role of this variant in disease. Therefore, it has been classified as a Variant of Uncertain Significance. This variant has not been reported in the literature in individuals affected with EIF2AK3-related conditions. This variant is not present in population databases (ExAC no frequency). This sequence change replaces glutamic acid with lysine at codon 291 of the EIF2AK3 protein (p.Glu291Lys). The glutamic acid residue is weakly conserved and there is a small physicochemical difference between glutamic acid and lysine.